The following is an entry in ClinVar:

ClinVar aggregate classification (germline): Likely benign (1 of 4 stars; one submission).

gnomAD v4.1: 14 of 1,614,224 alleles (0.00087%); highest among the groups gnomAD compares: Middle Eastern, 0.016%; no homozygotes.

Submission:

CeGaT Center for Human Genetics Tuebingen
Classification: Likely benign. Last evaluated: 2026-02-01. Review status: criteria provided, single submitter. Criteria: CeGaT Center For Human Genetics Tuebingen Variant Classification Criteria Version 2. Collection method: clinical testing. Allele origin: germline. Affected: yes. Observed: 1 variant allele.
Comment: ZP1: BP4, BP7

NM_207341.4(ZP1):c.1596T>C (p.Ser532=)

Gene: ZP1 (zona pellucida glycoprotein 1; plus strand). Cytogenetic location: 11q12.2.
Variant type: single nucleotide variant.
Coding change: c.1596T>C on transcript NM_207341.4 (MANE Select); coding-DNA position 1596, T replaced by C.
Protein change: p.Ser532=; no amino-acid change (serine 532 retained).
Molecular consequence: synonymous variant.
Genome position (GRCh38, 1-based): chr11:60,874,956, T>C. VCF-style: chr11-60874956-T-C. GRCh37 (hg19) VCF-style: chr11-60642429-T-C.
Other names: c.717T>C, p.Ser239= (NM_001391943.1); c.402T>C, p.Ser134= (NM_001391944.1).
Identifiers: ClinVar variation 4822673 (VCV004822673.4).
Genomic context (GRCh38, chr11:60,874,956, plus strand): 5'-TGAGCCAGCCACTTTGATGTTCTTCTCCTTCCACCAGGTTTACTTGTTCTGCAGCACCTC[T>C]GCCTGCCACACCTCAGGGCTGGAGACTTGCTCCACTGCATGTAGCACTGGCACTACAAGT-3'
Protein context (NP_997224.2, residues 522-542): RGLVYLFCST[Ser532=]ACHTSGLETC